The following is an entry in ClinVar:

ClinVar aggregate classification (germline): Conflicting classifications of pathogenicity. Review status: criteria provided, conflicting classifications (1 of 4 stars). 4 submissions from 4 submitters: Uncertain significance (2); Likely benign (2). Last evaluated 2025-06-30.

Conditions:
DNAH10-related disorder. Also called: DNAH10-related condition.

Allele frequency attached by ClinVar (database versions not stated): 1000 Genomes Project 0.00020; 1000 Genomes Project 30x 0.00031; gnomAD 0.00088 and 0.00090; ExAC 0.00090; gnomAD exomes 0.00098 and 0.00170; TOPMed 0.00104; ESP Exome Variant Server 0.00131.
gnomAD v4.1: 2,602 of 1,614,202 alleles (0.16%); highest among the groups gnomAD compares: Non-Finnish European, 0.2%; 6 homozygotes.

Submissions (4):

PreventionGenetics, part of Exact Sciences
Classification: Likely benign for DNAH10-related condition. Last evaluated: 2025-06-30. Review status: criteria provided, single submitter. Criteria: ACMG Guidelines, 2015. Collection method: clinical testing. Allele origin: germline.
Comment: This variant is classified as likely benign based on ACMG/AMP sequence variant interpretation guidelines (Richards et al. 2015 PMID: 25741868, with internal and published modifications).

CeGaT Center for Human Genetics Tuebingen
Classification: Likely benign. Last evaluated: 2024-10-01. Review status: criteria provided, single submitter. Criteria: CeGaT Center For Human Genetics Tuebingen Variant Classification Criteria Version 2. Collection method: clinical testing. Allele origin: germline. Affected: yes. Observed: 1 variant allele.
Comment: DNAH10: BP4, BS2

Laboratory for Molecular Medicine, Mass General Brigham Personalized Medicine
Classification: Uncertain significance. Last evaluated: 2016-03-29. Review status: criteria provided, single submitter. Criteria: LMM Criteria. Collection method: clinical testing. Allele origin: germline.
Comment: Variant identified in a genome or exome case(s) and assessed due to predicted null impact of the variant or pathogenic assertions in the literature or databases. Disclaimer: This variant has not undergone full assessment. The following are preliminary notes: Other variants in this gene questionably associated with sperm immotility. No information about this variant.

Breakthrough Genomics
Classification: Uncertain significance. Review status: criteria provided, single submitter. Criteria: ACMG Guidelines, 2015. Collection method: not provided. Allele origin: germline. Inheritance: Autosomal recessive inheritance. Affected: yes.

NM_001372106.1(DNAH10):c.901G>A (p.Ala301Thr)

Gene: DNAH10 (dynein axonemal heavy chain 10; plus strand). Cytogenetic location: 12q24.31.
Variant type: single nucleotide variant.
Coding change: c.901G>A on transcript NM_001372106.1 (MANE Select); coding-DNA position 901, G replaced by A.
Protein change: p.Ala301Thr; replaces alanine 301 with threonine.
Molecular consequence: missense variant.
Genome position (GRCh38, 1-based): chr12:123,783,166, G>A. VCF-style: chr12-123783166-G-A. GRCh37 (hg19) VCF-style: chr12-124267713-G-A.
Other names: c.718G>A, p.Ala240Thr (NM_207437.3); short protein forms A240T, A301T.
Identifiers: ClinVar variation 402628 (VCV000402628.20), dbSNP rs145614363, ClinGen allele CA6862585.